The following is an entry in ClinVar:

NM_002234.4(KCNA5):c.1497G>A (p.Leu499=)

Gene: KCNA5 (potassium voltage-gated channel subfamily A member 5; plus strand). Cytogenetic location: 12p13.32.
Variant type: single nucleotide variant.
Coding change: c.1497G>A on transcript NM_002234.4 (MANE Select); coding-DNA position 1497, G replaced by A.
Protein change: p.Leu499=; no amino-acid change (leucine 499 retained).
Molecular consequence: synonymous variant.
Genome position (GRCh38, 1-based): chr12:5,045,644, G>A. VCF-style: chr12-5045644-G-A. GRCh37 (hg19) VCF-style: chr12-5154810-G-A.
Identifiers: ClinVar variation 469584 (VCV000469584.25), dbSNP rs17221805, ClinGen allele CA6399881.

ClinVar aggregate classification (germline): Benign/Likely benign. Review status: criteria provided, multiple submitters, no conflicts (2 of 4 stars). 6 submissions from 6 submitters: Benign (3); Likely benign (3). Last evaluated 2026-02-01.

Conditions:
Atrial fibrillation, familial, 7 (ATFB7). Identifiers: MedGen C2677106, MONDO:0012828, OMIM 612240.

Allele frequency attached by ClinVar (database versions not stated): gnomAD 0.00450 and 0.00418; TOPMed 0.00493; 1000 Genomes Project 0.00599; gnomAD exomes 0.00039 and 0.00111; ExAC 0.00140; ESP Exome Variant Server 0.00438; 1000 Genomes Project 30x 0.00656.

Submissions (6):

Labcorp Genetics (formerly Invitae), Labcorp
Classification: Benign for Atrial fibrillation, familial, 7. Last evaluated: 2026-02-01. Review status: criteria provided, single submitter. Criteria: Invitae Variant Classification Sherloc (09022015). Collection method: clinical testing. Allele origin: germline.

CeGaT Center for Human Genetics Tuebingen
Classification: Likely benign. Last evaluated: 2025-10-01. Review status: criteria provided, single submitter. Criteria: CeGaT Center For Human Genetics Tuebingen Variant Classification Criteria Version 2. Collection method: clinical testing. Allele origin: germline. Affected: yes. Observed: 1 variant allele.
Comment: KCNA5: BP4, BP7, BS1

Women's Health and Genetics/Laboratory Corporation of America, LabCorp
Classification: Benign. Last evaluated: 2024-11-29. Review status: criteria provided, single submitter. Criteria: LabCorp Variant Classification Summary - May 2015. Collection method: clinical testing. Allele origin: germline.

GeneDx
Classification: Benign. Last evaluated: 2021-07-13. Review status: criteria provided, single submitter. Criteria: GeneDx Variant Classification Process June 2021. Collection method: clinical testing. Allele origin: germline. Affected: yes.

Illumina Laboratory Services, Illumina
Classification: Likely benign for Atrial fibrillation, familial, 7. Last evaluated: 2017-06-07. Review status: criteria provided, single submitter. Criteria: ICSL Variant Classification Criteria 13 December 2019. Collection method: clinical testing. Allele origin: germline.
Comment: This variant was observed as part of a predisposition screen in an ostensibly healthy population. A literature search was performed for the gene, cDNA change, and amino acid change (where applicable). Publications were found based on this search. The evidence from the literature, in combination with allele frequency data from public databases where available, was sufficient to determine this variant is unlikely to cause disease. Therefore, this variant is classified as likely benign.

Breakthrough Genomics
Classification: Likely benign. Review status: criteria provided, single submitter. Criteria: ACMG Guidelines, 2015. Collection method: not provided. Allele origin: germline. Inheritance: Autosomal dominant inheritance. Affected: yes.

Literature cited by the submitters: PubMed 15735608 (cited by Illumina Laboratory Services, Illumina).